The following is an entry in ClinVar:

NM_015909.4(NBAS):c.2376T>A (p.His792Gln)

Gene: NBAS (NBAS subunit of NRZ tethering complex; minus strand). Cytogenetic location: 2p24.3.
Variant type: single nucleotide variant.
Coding change: c.2376T>A on transcript NM_015909.4 (MANE Select); coding-DNA position 2376, T replaced by A.
Protein change: p.His792Gln; replaces histidine 792 with glutamine.
Molecular consequence: missense variant. On other transcripts: non-coding transcript variant (1).
Genome position (GRCh38, 1-based): chr2:15,427,758, A>T on the plus strand (T>A on the coding strand, the complement: NBAS is on the minus strand). VCF-style: chr2-15427758-A-T. GRCh37 (hg19) VCF-style: chr2-15567882-A-T.
Other names: short protein forms H792Q.
Identifiers: ClinVar variation 1908975 (VCV001908975.5), dbSNP rs767227424, ClinGen allele CA1536368.
Genomic context (GRCh38, chr2:15,427,758, plus strand): 5'-GGCTCATACTGACCTGCAAGCCAACTCCTCGCACCAATCTTTAGCTCGGTGTTTATGTTC[A>T]TGCCAAGGAATGATCATCAGGGAGTCACCGTTAAAACTCAAATTTAAAAAAAAATAAGTG-3'
Protein context (NP_056993.2, residues 782-802): NGDSLMIIPW[His792Gln]EHKHRAKDWC

ClinVar aggregate classification (germline): Uncertain significance (1 of 4 stars; one submission).

Allele frequency attached by ClinVar (database versions not stated): ExAC 0.00001.
gnomAD v4.1: 1 of 1,613,454 alleles (0.000062%); highest among the groups gnomAD compares: African/African-American, 0.0013%; no homozygotes.

Submission:

Labcorp Genetics (formerly Invitae), Labcorp
Classification: Uncertain significance. Last evaluated: 2023-03-10. Review status: criteria provided, single submitter. Criteria: Invitae Variant Classification Sherloc (09022015). Collection method: clinical testing. Allele origin: germline.
Comment: In summary, the available evidence is currently insufficient to determine the role of this variant in disease. Therefore, it has been classified as a Variant of Uncertain Significance. Advanced modeling of protein sequence and biophysical properties (such as structural, functional, and spatial information, amino acid conservation, physicochemical variation, residue mobility, and thermodynamic stability) performed at Invitae indicates that this missense variant is not expected to disrupt NBAS protein function. ClinVar contains an entry for this variant (Variation ID: 1908975). This variant has not been reported in the literature in individuals affected with NBAS-related conditions. This variant is not present in population databases (gnomAD no frequency). This sequence change replaces histidine, which is basic and polar, with glutamine, which is neutral and polar, at codon 792 of the NBAS protein (p.His792Gln).